The following is an entry in ClinVar:

ClinVar aggregate classification (germline): Uncertain significance (1 of 4 stars; one submission).

Allele frequency attached by ClinVar (database versions not stated): TOPMed 0.00007; gnomAD 0.00008; gnomAD exomes 0.00019; ExAC 0.00022; ESP Exome Variant Server 0.00042.
gnomAD v4.1: 279 of 1,613,616 alleles (0.017%); highest among the groups gnomAD compares: Non-Finnish European, 0.023%; no homozygotes.

Submission:

Clinical Genomics Laboratory, Washington University in St. Louis
Classification: Uncertain significance. Last evaluated: 2024-03-08. Review status: criteria provided, single submitter. Criteria: ACMG Guidelines, 2015. Collection method: clinical testing. Allele origin: germline.
Comment: The COL21A1 c.1514A>G (p.Lys505Arg) variant, to our knowledge, has not been reported in the medical literature. The highest population minor allele frequency in the population database genome aggregation database (v.2.1.1) is 0.026% in the European non-Finnish population. This variant occurs in the Gly-X-Y domain in the X position. Computational predictors suggest that the variant does not impact COL21A1 function. Due to limited information, the clinical significance of this variant is uncertain.

NM_030820.4(COL21A1):c.1514A>G (p.Lys505Arg)

Gene: COL21A1 (collagen type XXI alpha 1 chain; minus strand). Cytogenetic location: 6p12.1.
Variant type: single nucleotide variant.
Coding change: c.1514A>G on transcript NM_030820.4 (MANE Select); coding-DNA position 1514, A replaced by G.
Protein change: p.Lys505Arg; replaces lysine 505 with arginine.
Molecular consequence: missense variant. On other transcripts: non-coding transcript variant (3).
Genome position (GRCh38, 1-based): chr6:56,141,813, T>C on the plus strand (A>G on the coding strand, the complement: COL21A1 is on the minus strand). VCF-style: chr6-56141813-T-C. GRCh37 (hg19) VCF-style: chr6-56006611-T-C.
Other names: c.1514A>G, p.Lys505Arg (NM_001318751.2); c.1505A>G, p.Lys502Arg (NM_001318752.2); short protein forms K502R, K505R.
Identifiers: ClinVar variation 3236562 (VCV003236562.1), dbSNP rs201267383, ClinGen allele CA3865488.